The following is an entry in ClinVar:

ClinVar aggregate classification (germline): Uncertain significance. Review status: criteria provided, multiple submitters, no conflicts (2 of 4 stars). 3 submissions from 3 submitters: Uncertain significance (3). Last evaluated 2025-12-28.

Conditions:
Hereditary nonpolyposis colorectal neoplasms. Identifiers: MedGen C0009405, MeSH D003123.
Hereditary cancer-predisposing syndrome. Also called: Tumor predisposition; Neoplastic Syndromes, Hereditary; Hereditary Cancer Syndrome; Hereditary neoplastic syndrome. Identifiers: Orphanet 140162, MedGen C0027672, MeSH D009386, MONDO:0015356.

Submissions (3):

Ambry Genetics
Classification: Uncertain significance for Hereditary cancer-predisposing syndrome. Last evaluated: 2025-12-28. Review status: criteria provided, single submitter. Criteria: Ambry Variant Classification Scheme 2023. Collection method: clinical testing. Allele origin: germline.
Comment: The p.F231S variant (also known as c.692T>C), located in coding exon 6 of the PMS2 gene, results from a T to C substitution at nucleotide position 692. The phenylalanine at codon 231 is replaced by serine, an amino acid with highly dissimilar properties. This amino acid position is conserved. In addition, this alteration is predicted to be deleterious by in silico analysis. Based on the available evidence, the clinical significance of this variant remains unclear.

GeneDx
Classification: Uncertain significance. Last evaluated: 2024-06-27. Review status: criteria provided, single submitter. Criteria: GeneDx Variant Classification Process June 2021. Collection method: clinical testing. Allele origin: germline. Affected: yes.
Comment: Not observed at significant frequency in large population cohorts (gnomAD); In silico analysis supports that this missense variant has a deleterious effect on protein structure/function; Has not been previously published as pathogenic or benign to our knowledge; This variant is associated with the following publications: (PMID: 11574484)

Labcorp Genetics (formerly Invitae), Labcorp
Classification: Uncertain significance for Hereditary nonpolyposis colorectal neoplasms. Last evaluated: 2023-05-11. Review status: criteria provided, single submitter. Criteria: Invitae Variant Classification Sherloc (09022015). Collection method: clinical testing. Allele origin: germline.
Comment: In summary, the available evidence is currently insufficient to determine the role of this variant in disease. Therefore, it has been classified as a Variant of Uncertain Significance. Advanced modeling of protein sequence and biophysical properties (such as structural, functional, and spatial information, amino acid conservation, physicochemical variation, residue mobility, and thermodynamic stability) performed at Invitae indicates that this missense variant is expected to disrupt PMS2 protein function. This variant has not been reported in the literature in individuals affected with PMS2-related conditions. This variant is not present in population databases (gnomAD no frequency). This sequence change replaces phenylalanine, which is neutral and non-polar, with serine, which is neutral and polar, at codon 231 of the PMS2 protein (p.Phe231Ser).

NM_000535.7(PMS2):c.692T>C (p.Phe231Ser)

Gene: PMS2 (PMS1 homolog 2, mismatch repair system component; minus strand). Cytogenetic location: 7p22.1.
Variant type: single nucleotide variant.
Coding change: c.692T>C on transcript NM_000535.7 (MANE Select); coding-DNA position 692, T replaced by C.
Protein change: p.Phe231Ser; replaces phenylalanine 231 with serine.
Molecular consequence: missense variant. On other transcripts: 5 prime UTR variant (2), non-coding transcript variant (1), intron variant (9).
Genome position (GRCh38, 1-based): chr7:5,999,121, A>G on the plus strand (T>C on the coding strand, the complement: PMS2 is on the minus strand). VCF-style: chr7-5999121-A-G. GRCh37 (hg19) VCF-style: chr7-6038752-A-G.
Other names: c.287T>C, p.Phe96Ser (NM_001018040.1, NM_001322003.2, NM_001322004.2 and 20 more transcripts); c.692T>C, p.Phe231Ser (NM_001322006.2, NM_001322014.2, NM_001406870.1 and 4 more transcripts); c.374T>C, p.Phe125Ser (NM_001322007.2, NM_001322008.2, NM_001406901.1 and 4 more transcripts); c.-242T>C (NM_001322011.2, NM_001322012.2); c.383T>C, p.Phe128Ser (NM_001322015.2, NM_001406875.1, NM_001406900.1 and 6 more transcripts); c.878T>C, p.Phe293Ser (NM_001406866.1); c.716T>C, p.Phe239Ser (NM_001406868.1); c.132+3332T>C (NM_001406911.1); and 6 more; short protein forms F231S, F119S, F125S, F128S, F239S, F293S, F96S.
Identifiers: ClinVar variation 2863358 (VCV002863358.5), dbSNP rs2128799230, ClinGen allele CA366743835.